The following is an entry in ClinVar:

NM_004991.4(MECOM):c.3535C>T (p.His1179Tyr)

Gene: MECOM (MDS1 and EVI1 complex locus; minus strand). Cytogenetic location: 3q26.2.
Variant type: single nucleotide variant.
Coding change: c.3535C>T on transcript NM_004991.4 (MANE Select); coding-DNA position 3535, C replaced by T.
Protein change: p.His1179Tyr; replaces histidine 1179 with tyrosine.
Molecular consequence: missense variant.
Genome position (GRCh38, 1-based): chr3:169,089,050, G>A on the plus strand (C>T on the coding strand, the complement: MECOM is on the minus strand). VCF-style: chr3-169089050-G-A. GRCh37 (hg19) VCF-style: chr3-168806838-G-A.
Other names: c.3166C>T, p.His1056Tyr (NM_001105077.4); c.2971C>T, p.His991Tyr (NM_001105078.4, NM_001205194.2, NM_001366469.2 and 1 more transcripts); c.2947C>T, p.His983Tyr (NM_001163999.2, NM_001366470.2); c.2944C>T, p.His982Tyr (NM_001164000.2, NM_001366471.2, NM_001366472.2); c.3508C>T, p.His1170Tyr (NM_001366466.2); c.2974C>T, p.His992Tyr (NM_001366467.2, NM_001366468.2); c.2536C>T, p.His846Tyr (NM_001366473.2); c.1972C>T, p.His658Tyr (NM_001366474.2); short protein forms H1179Y, H982Y, H991Y, H1170Y, H846Y, H983Y, H992Y, H1056Y.
Identifiers: ClinVar variation 4053316 (VCV004053316.7).
Genomic context (GRCh38, chr3:169,089,050, plus strand): 5'-AAATCTGTACCTGCGATTTGGACTTTCTGTGTAACGGCTGCTTAAGTTCCTCTGGCACAT[G>A]GGAAGTACTAAAAGAAGACAGCTCAGCTTCAGAATATTGATTATCTTCCATTTTCCTCAT-3'
Protein context (NP_004982.2, residues 1169-1189): EAELSSFSTS[His1179Tyr]VPEELKQPLH

ClinVar aggregate classification (germline): Conflicting classifications of pathogenicity. Review status: criteria provided, conflicting classifications (1 of 4 stars). 2 submissions from 2 submitters: Uncertain significance (1); Likely benign (1). Last evaluated 2025-11-01.

Conditions:
Inborn genetic diseases. Identifiers: MedGen C0950123, MeSH D030342.

gnomAD v4.1: 6 of 1,607,070 alleles (0.00037%); highest among the groups gnomAD compares: Non-Finnish European, 0.00051%; no homozygotes.

Submissions (2):

CeGaT Center for Human Genetics Tuebingen
Classification: Likely benign. Last evaluated: 2025-11-01. Review status: criteria provided, single submitter. Criteria: CeGaT Center For Human Genetics Tuebingen Variant Classification Criteria Version 2. Collection method: clinical testing. Allele origin: germline. Affected: yes. Observed: 1 variant allele.
Comment: MECOM: BP4

Ambry Genetics
Classification: Uncertain significance for Inborn genetic diseases. Last evaluated: 2025-06-02. Review status: criteria provided, single submitter. Criteria: Ambry Variant Classification Scheme 2023. Collection method: clinical testing. Allele origin: germline.
Comment: The p.H1179Y variant (also known as c.3535C>T), located in coding exon 16 of the MECOM gene, results from a C to T substitution at nucleotide position 3535. The histidine at codon 1179 is replaced by tyrosine, an amino acid with similar properties. This amino acid position is conserved. In addition, this alteration is predicted to be tolerated by in silico analysis. Based on the available evidence, the clinical significance of this variant remains unclear.